The following is an entry in ClinVar:

NM_000548.5(TSC2):c.2102C>T (p.Ser701Phe)

Gene: TSC2 (TSC complex subunit 2; plus strand). Cytogenetic location: 16p13.3.
Variant type: single nucleotide variant.
Coding change: c.2102C>T on transcript NM_000548.5 (MANE Select); coding-DNA position 2102, C replaced by T.
Protein change: p.Ser701Phe; replaces serine 701 with phenylalanine.
Molecular consequence: missense variant.
Genome position (GRCh38, 1-based): chr16:2,072,245, C>T. VCF-style: chr16-2072245-C-T. GRCh37 (hg19) VCF-style: chr16-2122246-C-T.
Other names: c.2102C>T, p.Ser701Phe (NM_001370405.1, NM_021055.3, NM_001077183.3 and 3 more transcripts); c.1991C>T, p.Ser664Phe (NM_001318827.2); c.1955C>T, p.Ser652Phe (NM_001318829.2); c.1502C>T, p.Ser501Phe (NM_001318831.2); c.2135C>T, p.Ser712Phe (NM_001318832.2); short protein forms S501F, S652F, S664F, S701F, S712F.
Identifiers: ClinVar variation 1025687 (VCV001025687.12), dbSNP rs1044030046, ClinGen allele CA276738209.

ClinVar aggregate classification (germline): Uncertain significance. Review status: criteria provided, multiple submitters, no conflicts (2 of 4 stars). 4 submissions from 4 submitters: Uncertain significance (4). Last evaluated 2025-10-15.

Conditions:
Lymphangiomyomatosis (LAM). Also called: Lymphangioleiomyomatosis; Lymphangioleiomyomatosis, somatic. Identifiers: Orphanet 538, MedGen C0751674, MONDO:0011705, OMIM 606690.
Isolated focal cortical dysplasia type II (FCORD2). Also called: Focal cortical dysplasia type II; CORTICAL DYSPLASIA OF TAYLOR. Identifiers: Orphanet 268994, MedGen C1846385, MONDO:0011818, OMIM 607341, HP:0032051.
Tuberous sclerosis 2 (TSC2). Identifiers: Orphanet 805, MedGen C1860707, MONDO:0013199, OMIM 613254.
Hereditary cancer-predisposing syndrome. Also called: Hereditary neoplastic syndrome; Neoplastic Syndromes, Hereditary; Tumor predisposition; Hereditary Cancer Syndrome. Identifiers: Orphanet 140162, MedGen C0027672, MeSH D009386, MONDO:0015356.
Tuberous sclerosis syndrome (TSC). Also called: Tuberous Sclerosis Complex; Tuberous sclerosis. Identifiers: Orphanet 805, MedGen C0041341, MONDO:0001734.

Allele frequency attached by ClinVar (database versions not stated): gnomAD exomes below 0.00001.
gnomAD v4.1: 1 of 1,614,068 alleles (0.000062%); highest among the groups gnomAD compares: African/African-American, 0.0013%; no homozygotes.

Submissions (4):

Labcorp Genetics (formerly Invitae), Labcorp
Classification: Uncertain significance for Tuberous sclerosis 2. Last evaluated: 2025-10-15. Review status: criteria provided, single submitter. Criteria: Invitae Variant Classification Sherloc (09022015). Collection method: clinical testing. Allele origin: germline.
Comment: This sequence change replaces serine, which is neutral and polar, with phenylalanine, which is neutral and non-polar, at codon 701 of the TSC2 protein (p.Ser701Phe). This variant is not present in population databases (gnomAD no frequency). This variant has not been reported in the literature in individuals affected with TSC2-related conditions. ClinVar contains an entry for this variant (Variation ID: 1025687). Invitae Evidence Modeling of protein sequence and biophysical properties (such as structural, functional, and spatial information, amino acid conservation, physicochemical variation, residue mobility, and thermodynamic stability) indicates that this missense variant is not expected to disrupt TSC2 protein function with a negative predictive value of 95%. In summary, the available evidence is currently insufficient to determine the role of this variant in disease. Therefore, it has been classified as a Variant of Uncertain Significance.

Color Diagnostics, LLC DBA Color Health
Classification: Uncertain significance for Tuberous sclerosis syndrome. Last evaluated: 2025-06-09. Review status: criteria provided, single submitter. Criteria: ACMG Guidelines, 2015. Collection method: clinical testing. Allele origin: germline.
Comment: This missense variant replaces serine with phenylalanine at codon 701 of the TSC2 protein. Computational prediction is inconclusive regarding the impact of this variant on protein structure and function. To our knowledge, functional studies have not been reported for this variant. This variant has not been reported in individuals affected with TSC2-related disorders in the literature. This variant has not been identified in the general population by the Genome Aggregation Database (gnomAD). The available evidence is insufficient to determine the role of this variant in disease conclusively. Therefore, this variant is classified as a Variant of Uncertain Significance.

Fulgent Genetics
Classification: Uncertain significance for Lymphangiomyomatosis; Isolated focal cortical dysplasia type II; Tuberous sclerosis 2. Last evaluated: 2024-05-04. Review status: criteria provided, single submitter. Criteria: ACMG Guidelines, 2015. Collection method: clinical testing. Allele origin: germline.

Ambry Genetics
Classification: Uncertain significance for Hereditary cancer-predisposing syndrome. Last evaluated: 2022-06-17. Review status: criteria provided, single submitter. Criteria: Ambry Variant Classification Scheme 2023. Collection method: clinical testing. Allele origin: germline.
Comment: The p.S701F variant (also known as c.2102C>T), located in coding exon 19 of the TSC2 gene, results from a C to T substitution at nucleotide position 2102. The serine at codon 701 is replaced by phenylalanine, an amino acid with highly dissimilar properties. This amino acid position is conserved. In addition, the in silico prediction for this alteration is inconclusive. Since supporting evidence is limited at this time, the clinical significance of this alteration remains unclear.